The following is an entry in ClinVar:

NM_003283.6(TNNT1):c.271A>G (p.Lys91Glu)

Gene: TNNT1 (troponin T1, slow skeletal type; minus strand). Cytogenetic location: 19q13.42.
Variant type: single nucleotide variant.
Coding change: c.271A>G on transcript NM_003283.6 (MANE Select); coding-DNA position 271, A replaced by G.
Protein change: p.Lys91Glu; replaces lysine 91 with glutamic acid.
Molecular consequence: missense variant.
Genome position (GRCh38, 1-based): chr19:55,141,224, T>C on the plus strand (A>G on the coding strand, the complement: TNNT1 is on the minus strand). VCF-style: chr19-55141224-T-C. GRCh37 (hg19) VCF-style: chr19-55652592-T-C.
Other names: c.271A>G, p.Lys91Glu (NM_001126132.3); c.238A>G, p.Lys80Glu (NM_001126133.3, NM_001291774.2); short protein forms K80E, K91E.
Identifiers: ClinVar variation 3902914 (VCV003902914.1).

ClinVar aggregate classification (germline): Uncertain significance (1 of 4 stars; one submission).

gnomAD v4.1: 4 of 1,614,224 alleles (0.00025%); highest among the groups gnomAD compares: Non-Finnish European, 0.00034%; no homozygotes.

Submission:

GeneDx
Classification: Uncertain significance. Last evaluated: 2024-12-13. Review status: criteria provided, single submitter. Criteria: GeneDx Variant Classification Process June 2021. Collection method: clinical testing. Allele origin: germline. Affected: yes.
Comment: Not observed at significant frequency in large population cohorts (gnomAD); Missense variants in this gene are a common cause of disease and they are underrepresented in the general population; In silico analysis supports that this missense variant has a deleterious effect on protein structure/function; Has not been previously published as pathogenic or benign to our knowledge